The following is an entry in ClinVar:

ClinVar aggregate classification (germline): Uncertain significance. Review status: criteria provided, multiple submitters, no conflicts (2 of 4 stars). 3 submissions from 3 submitters: Uncertain significance (3). Last evaluated 2023-05-16.

Conditions:
Catecholaminergic polymorphic ventricular tachycardia (CVPT). Also called: Catecholamine-induced polymorphic ventricular tachycardia. Identifiers: Orphanet 3286, MedGen C5574922, MONDO:0017990.
Catecholaminergic polymorphic ventricular tachycardia 1. Also called: RYR2-Related Catecholaminergic Polymorphic Ventricular Tachycardia; VENTRICULAR TACHYCARDIA, CATECHOLAMINERGIC POLYMORPHIC, 1, WITH OR WITHOUT ATRIAL DYSFUNCTION AND/OR DILATED CARDIOMYOPATHY; VENTRICULAR TACHYCARDIA, STRESS-INDUCED POLYMORPHIC 1. Identifiers: Orphanet 3286, MedGen C1631597, MONDO:0011484, OMIM 604772.

Allele frequency attached by ClinVar (database versions not stated): gnomAD exomes below 0.00001.
gnomAD v4.1: 1 of 1,613,742 alleles (0.000062%); highest among the groups gnomAD compares: Non-Finnish European, 0.000085%; no homozygotes.

Submissions (3):

All of Us Research Program, National Institutes of Health
Classification: Uncertain significance for Catecholaminergic polymorphic ventricular tachycardia. Last evaluated: 2023-05-16. Review status: criteria provided, single submitter. Criteria: ACMG Guidelines, 2015. Collection method: clinical testing. Allele origin: germline. Inheritance: Autosomal dominant inheritance. Observed: 1 variant allele, 1 heterozygote.
Comment: This missense variant replaces serine with tyrosine at codon 2358 of the RYR2 protein. Computational prediction suggests that this variant may not impact protein structure and function (internally defined REVEL score threshold <= 0.5, PMID: 27666373). To our knowledge, functional studies have not been reported for this variant. This variant has not been reported in individuals affected with RYR2-related disorders in the literature. This variant has been identified in 1/248878 chromosomes in the general population by the Genome Aggregation Database (gnomAD). The available evidence is insufficient to determine the role of this variant in disease conclusively. Therefore, this variant is classified as a Variant of Uncertain Significance.

This study involves interpretation of variants in research participants for the purpose of population health screening. Participant phenotype was not available at the time of variant classification. Additional details can be found in publication PMID: 35346344, PMCID: PMC8962531

GeneDx
Classification: Uncertain significance. Last evaluated: 2023-01-26. Review status: criteria provided, single submitter. Criteria: GeneDx Variant Classification Process June 2021. Collection method: clinical testing. Allele origin: germline. Affected: yes.
Comment: Not observed at significant frequency in large population cohorts (gnomAD); In silico analysis supports that this missense variant has a deleterious effect on protein structure/function; Has not been previously published as pathogenic or benign to our knowledge; Located in one of the three hot-spot regions of the RYR2 gene, where the majority of pathogenic missense variants occur (Medeiros-Domingo et al., 2009); This variant is associated with the following publications: (PMID: 19926015)

Labcorp Genetics (formerly Invitae), Labcorp
Classification: Uncertain significance for Catecholaminergic polymorphic ventricular tachycardia 1. Last evaluated: 2021-10-04. Review status: criteria provided, single submitter. Criteria: Invitae Variant Classification Sherloc (09022015). Collection method: clinical testing. Allele origin: germline.
Comment: This variant has not been reported in the literature in individuals affected with RYR2-related conditions. This variant is not present in population databases (ExAC no frequency). This sequence change replaces serine with tyrosine at codon 2358 of the RYR2 protein (p.Ser2358Tyr). The serine residue is highly conserved and there is a large physicochemical difference between serine and tyrosine. Algorithms developed to predict the effect of missense changes on protein structure and function are either unavailable or do not agree on the potential impact of this missense change (SIFT: "Deleterious"; PolyPhen-2: "Benign"; Align-GVGD: "Class C15"). In summary, the available evidence is currently insufficient to determine the role of this variant in disease. Therefore, it has been classified as a Variant of Uncertain Significance.

NM_001035.3(RYR2):c.7073C>A (p.Ser2358Tyr)

Gene: RYR2 (ryanodine receptor 2; plus strand). Cytogenetic location: 1q43.
Variant type: single nucleotide variant.
Coding change: c.7073C>A on transcript NM_001035.3 (MANE Select); coding-DNA position 7073, C replaced by A.
Protein change: p.Ser2358Tyr; replaces serine 2358 with tyrosine.
Molecular consequence: missense variant.
Genome position (GRCh38, 1-based): chr1:237,639,159, C>A. VCF-style: chr1-237639159-C-A. GRCh37 (hg19) VCF-style: chr1-237802459-C-A.
Other names: c.7073C>A (NM_001035.2); short protein forms S2358Y.
Identifiers: ClinVar variation 1381709 (VCV001381709.9), dbSNP rs954868104, ClinGen allele CA39788126.
Genomic context (GRCh38, chr1:237,639,159, plus strand): 5'-AAGGTGGGAATGGGCTTCTTGCAGCAATGGAAGAAGCCATCAAAATCGCCGAGGATCCTT[C>A]CCGAGATGGTCCCTCACCAAATAGCGGATCCAGTAAAACACTGTAGGTCTAATATACACA-3'
Protein context (NP_001026.2, residues 2348-2368): EEAIKIAEDP[Ser2358Tyr]RDGPSPNSGS